The following is an entry in ClinVar:

ClinVar aggregate classification (germline): Likely benign (0 of 4 stars; one submission).

Conditions:
PAX4-related disorder. Also called: PAX4-related condition.

Submission:

PreventionGenetics, part of Exact Sciences
Classification: Likely benign for PAX4-related condition. Last evaluated: 2022-08-26. Review status: no assertion criteria provided. Collection method: clinical testing. Allele origin: germline.
Comment: This variant is classified as likely benign based on ACMG/AMP sequence variant interpretation guidelines (Richards et al. 2015 PMID: 25741868, with internal and published modifications).

NM_001366110.1(PAX4):c.*192C>T

Gene: PAX4 (paired box 4; minus strand). Cytogenetic location: 7q32.1.
Variant type: single nucleotide variant.
Coding change: c.*192C>T on transcript NM_001366110.1 (MANE Select); 192 bases downstream of the stop codon, C replaced by T.
Molecular consequence: 3 prime UTR variant. On other transcripts: missense variant (1).
Genome position (GRCh38, 1-based): chr7:127,610,872, G>A on the plus strand (C>T on the coding strand, the complement: PAX4 is on the minus strand). VCF-style: chr7-127610872-G-A. GRCh37 (hg19) VCF-style: chr7-127250926-G-A.
Other names: c.1027C>T, p.Pro343Ser (NM_001366111.1); short protein forms P343S.
Identifiers: ClinVar variation 3047875 (VCV003047875.2), dbSNP rs2535509236, ClinGen allele CA369164749.